The following is an entry in ClinVar:

ClinVar aggregate classification (germline): drug response. Review status: practice guideline (4 of 4 stars). 2 submissions from 2 submitters: drug response (1). 1 of the submissions does not count toward it.

Conditions:
CYP2C19: decreased function.

Allele frequency attached by ClinVar (database versions not stated): gnomAD exomes 0.00038 and 0.00089; 1000 Genomes Project 0.00280; 1000 Genomes Project 30x 0.00312; gnomAD 0.00364 and 0.00391; ESP Exome Variant Server 0.00392; TOPMed 0.00432.
gnomAD v4.1: 1,141 of 1,614,010 alleles (0.071%); highest among the groups gnomAD compares: African/African-American, 1.3%; 7 homozygotes.

Submissions (2):

Clinical Pharmacogenetics Implementation Consortium
Classification: drug response for CYP2C19: decreased function. Review status: practice guideline. Criteria: Clinical Pharmacogenetics Implementation Consortium. Collection method: curation. Allele origin: germline.

GeneDx
Classification: Likely benign. Last evaluated: 2018-07-13. Review status: criteria provided, single submitter. Criteria: GeneDx Variant Classification Process June 2021. Collection method: clinical testing. Allele origin: germline. Affected: yes. Not counted in ClinVar's aggregate classification.
Comment: This variant is associated with the following publications: (PMID: 21325430, 12464799)

NM_000769.1(CYP2C19):c.431G>A (p.Arg144His)

Gene: CYP2C19 (cytochrome P450 family 2 subfamily C member 19; plus strand). Cytogenetic location: 10q23.33.
Variant type: single nucleotide variant.
Coding change: c.431G>A on transcript NM_000769.1; coding-DNA position 431, G replaced by A.
Protein change: p.Arg144His; replaces arginine 144 with histidine.
Molecular consequence: missense variant (on NM_000769.4).
Genome position (GRCh38, 1-based): chr10:94,775,489, G>A. VCF-style: chr10-94775489-G-A. GRCh37 (hg19) VCF-style: chr10-96535246-G-A.
Other names: CYP2C19*9; c.431G>A, p.Arg144His (NM_000769.4); short protein forms R144H.
Identifiers: ClinVar variation 39352 (VCV000039352.5), dbSNP rs17884712, ClinGen allele CA5616437.